The following is an entry in ClinVar:

NM_001291867.2(NHS):c.4315C>T (p.Arg1439Ter)

Gene: NHS (NHS actin remodeling regulator; plus strand). Cytogenetic location: Xp22.13.
Variant type: single nucleotide variant.
Coding change: c.4315C>T on transcript NM_001291867.2 (MANE Select); coding-DNA position 4315, C replaced by T.
Protein change: p.Arg1439Ter; replaces arginine 1439 with a stop codon.
Molecular consequence: nonsense.
Genome position (GRCh38, 1-based): chrX:17,728,741, C>T. VCF-style: chrX-17728741-C-T. GRCh37 (hg19) VCF-style: chrX-17746861-C-T.
Other names: c.3784C>T, p.Arg1262Ter (NM_001136024.4); c.3721C>T, p.Arg1241Ter (NM_001291868.2); c.4252C>T, p.Arg1418Ter (NM_198270.4); short protein forms R1418*, R1241*, R1439*, R1262*.
Identifiers: ClinVar variation 1458715 (VCV001458715.8), dbSNP rs2147145827, ClinGen allele CA412368900.
Genomic context (GRCh38, chrX:17,728,741, plus strand): 5'-CCACTTAGTGAAGACTCCCAAGCTGAAGCAGAGGGTGTGTTCGTGTCTCCAAACAAACCT[C>T]GAACAACTGAGGATTTATTTGCAGTCATTCACAGGTGAGGCAACATTACCAAGTCCCCCA-3'

ClinVar aggregate classification (germline): Pathogenic (1 of 4 stars; one submission).

Conditions:
Nance-Horan syndrome (NHS). Identifiers: Orphanet 627, MedGen C0796085, MONDO:0010545, OMIM 302350.

Submission:

Labcorp Genetics (formerly Invitae), Labcorp
Classification: Pathogenic for Nance-Horan syndrome. Last evaluated: 2023-02-09. Review status: criteria provided, single submitter. Criteria: Invitae Variant Classification Sherloc (09022015). Collection method: clinical testing. Allele origin: germline.
Comment: This sequence change creates a premature translational stop signal (p.Arg1418*) in the NHS gene. While this is not anticipated to result in nonsense mediated decay, it is expected to disrupt the last 213 amino acid(s) of the NHS protein. This variant is not present in population databases (gnomAD no frequency). This variant has not been reported in the literature in individuals affected with NHS-related conditions. ClinVar contains an entry for this variant (Variation ID: 1458715). This variant disrupts a region of the NHS protein in which other variant(s) (p.Tyr1483*) have been determined to be pathogenic (PMID: 30642278). This suggests that this is a clinically significant region of the protein, and that variants that disrupt it are likely to be disease-causing. For these reasons, this variant has been classified as Pathogenic.

Literature cited by the submitters: PubMed 30642278.